The following is an entry in ClinVar:

NM_000384.3(APOB):c.10370C>G (p.Ser3457Cys)

Gene: APOB (apolipoprotein B; minus strand). Cytogenetic location: 2p24.1.
Variant type: single nucleotide variant.
Coding change: c.10370C>G on transcript NM_000384.3 (MANE Select); coding-DNA position 10370, C replaced by G.
Protein change: p.Ser3457Cys; replaces serine 3457 with cysteine.
Molecular consequence: missense variant.
Genome position (GRCh38, 1-based): chr2:21,006,498, G>C on the plus strand (C>G on the coding strand, the complement: APOB is on the minus strand). VCF-style: chr2-21006498-G-C. GRCh37 (hg19) VCF-style: chr2-21229370-G-C.
Other names: short protein forms S3457C.
Identifiers: ClinVar variation 521358 (VCV000521358.11), dbSNP rs778985735, ClinGen allele CA043335.
Genomic context (GRCh38, chr2:21,006,498, plus strand): 5'-ACTGCTCCTTTAGCGGTAGAGTACAGCATTGAAGAATTGAAATCATACTTAAATTCCATG[G>C]AGGAAGAGACAGTAGGTTTTGACTTGGTATTTCCATTAAGTTCTTGCTTGAAATTCATTC-3'
Protein context (NP_000375.3, residues 3447-3467): NTKSKPTVSS[Ser3457Cys]MEFKYDFNSS

ClinVar aggregate classification (germline): Conflicting classifications of pathogenicity. Review status: criteria provided, conflicting classifications (1 of 4 stars). 3 submissions from 3 submitters: Uncertain significance (2); Likely benign (1). Last evaluated 2025-11-12.

Conditions:
Cardiovascular phenotype. Identifiers: MedGen CN230736.
Hypercholesterolemia, autosomal dominant, type B (FHCL2). Also called: Familial Hypercholesterolemia Type B; Hyperlipoproteinemia Type IIb; Familial hypercholesterolemia 2; APOLIPOPROTEIN B-100, FAMILIAL DEFECTIVE; APOLIPOPROTEIN B-100, FAMILIAL LIGAND-DEFECTIVE; HYPERCHOLESTEROLEMIA, FAMILIAL, DUE TO LIGAND-DEFECTIVE APOLIPOPROTEIN B. Identifiers: MedGen C1704417, MONDO:0007751, OMIM 144010.
Familial hypobetalipoproteinemia 1. Also called: Hypobetalipoproteinemia, normotriglyceridemic; Acanthocytosis with hypobetalipoproteinemia; APOB-Related Familial Hypobetalipoproteinemia. Identifiers: MedGen C4551990, MONDO:0014252, OMIM 615558.

Allele frequency attached by ClinVar (database versions not stated): TOPMed below 0.00001; gnomAD exomes 0.00001 and 0.00002; ExAC 0.00002.
gnomAD v4.1: 22 of 1,614,108 alleles (0.0014%); highest among the groups gnomAD compares: Non-Finnish European, 0.0013%; no homozygotes.

Submissions (3):

Ambry Genetics
Classification: Uncertain significance for Cardiovascular phenotype. Last evaluated: 2025-11-12. Review status: criteria provided, single submitter. Criteria: Ambry Variant Classification Scheme 2023. Collection method: clinical testing. Allele origin: germline.
Comment: The c.10370C>G (p.S3457C) alteration is located in coding exon 26 of the APOB gene. This alteration results from a C to G substitution at nucleotide position 10370, causing the serine (S) at amino acid position 3457 to be replaced by a cysteine (C). The heterozygous missense change is ultra rare in population databases: Based on data from the Exome Aggregation Consortium (ExAC), the APOB c.10370C>G alteration has an overall frequency of approximately 0.002% (3/121,334) of total alleles studied. Based on data from the NHLBI Exome Sequencing Project (ESP), this alteration was not observed among 6,503 total alleles studied. Allele frequency data for this nucleotide position are not currently available from the 1000 Genomes Project and the alteration is not currently listed in the Database of Single Nucleotide Polymorphisms (dbSNP). Rare missense alleles commonly exhibit a deleterious effect on protein function (Kryukov, 2007; Tennessen, 2012; please note that some variants may appear to be rare due to ethnic underrepresentation in the database). Kryukov GV, et al. (2007) Am J Hum Genet 80:727-739. Tennessen JA, et al. (2012) Science 337(64):64-69. The amino acid change has been observed in affected individuals: The c.10370C>G (p.S3457C) was previously reported in one child with elevated TC (inclusion criteria for the study: TC>6 mmol/l without a family history of premature cardiovascular complications or >5 with a family history; Klancar, 2015). The altered amino acid is not conserved throughout evolution: The p.S3457 amino acid is not conserved in available vertebrate species. The alteration is predicted deleterious by in silico models: The p.S3457C alteration is predicted to be possibly damaging by Polyphen and deleterious by SIFT in silico analyses. Based on insufficient or conflicting evidence, the clinical significance of this alteration remains unclear.

Blueprint Genetics
Classification: Uncertain significance. Last evaluated: 2024-09-19. Review status: criteria provided, single submitter. Criteria: ACMG Guidelines, 2015. Collection method: clinical testing. Allele origin: germline.

Labcorp Genetics (formerly Invitae), Labcorp
Classification: Likely benign for Familial hypobetalipoproteinemia 1; Hypercholesterolemia, autosomal dominant, type B. Last evaluated: 2024-09-08. Review status: criteria provided, single submitter. Criteria: Invitae Variant Classification Sherloc (09022015). Collection method: clinical testing. Allele origin: germline.

Literature cited by the submitters: PubMed 26361156 (cited by Ambry Genetics).